The following is an entry in ClinVar:

ClinVar aggregate classification (germline): Uncertain significance (1 of 4 stars; one submission).

Conditions:
Desmin-related myofibrillar myopathy (MFM1). Also called: Desmin related myopathy (former name); Desmin storage myopathy (former name); Desminopathy; Myofibrillar myopathy 1; MYOFIBRILLAR MYOPATHY WITH ARRHYTHMOGENIC RIGHT VENTRICULAR CARDIOMYOPATHY; DESMIN-RELATED MYOPATHY WITH ARRHYTHMOGENIC RIGHT VENTRICULAR CARDIOMYOPATHY. Identifiers: Orphanet 363543, Orphanet 98909, MedGen C1832370, MONDO:0011076, OMIM 601419.

Submission:

Labcorp Genetics (formerly Invitae), Labcorp
Classification: Uncertain significance for Desmin-related myofibrillar myopathy. Last evaluated: 2023-03-26. Review status: criteria provided, single submitter. Criteria: Invitae Variant Classification Sherloc (09022015). Collection method: clinical testing. Allele origin: germline.
Comment: This variant is not present in population databases (gnomAD no frequency). This sequence change replaces proline, which is neutral and non-polar, with arginine, which is basic and polar, at codon 29 of the DES protein (p.Pro29Arg). This variant has not been reported in the literature in individuals affected with DES-related conditions. In summary, the available evidence is currently insufficient to determine the role of this variant in disease. Therefore, it has been classified as a Variant of Uncertain Significance. Advanced modeling of protein sequence and biophysical properties (such as structural, functional, and spatial information, amino acid conservation, physicochemical variation, residue mobility, and thermodynamic stability) has been performed at Invitae for this missense variant, however the output from this modeling did not meet the statistical confidence thresholds required to predict the impact of this variant on DES protein function. ClinVar contains an entry for this variant (Variation ID: 2159462).

NM_001927.4(DES):c.86C>G (p.Pro29Arg)

Gene: DES (desmin; plus strand). Cytogenetic location: 2q35.
Variant type: single nucleotide variant.
Coding change: c.86C>G on transcript NM_001927.4 (MANE Select); coding-DNA position 86, C replaced by G.
Protein change: p.Pro29Arg; replaces proline 29 with arginine.
Molecular consequence: missense variant.
Genome position (GRCh38, 1-based): chr2:219,418,548, C>G. VCF-style: chr2-219418548-C-G. GRCh37 (hg19) VCF-style: chr2-220283270-C-G.
Other names: c.86C>G, p.Pro29Arg (NM_001382708.1, NM_001382709.1, NM_001382710.1 and 3 more transcripts); short protein forms P29R.
Identifiers: ClinVar variation 2159462 (VCV002159462.4), dbSNP rs1378987625, ClinGen allele CA350682749.